The following is an entry in ClinVar:

ClinVar aggregate classification (germline): Conflicting classifications of pathogenicity. Review status: criteria provided, conflicting classifications (1 of 4 stars). 3 submissions from 3 submitters: Uncertain significance (2); Likely benign (1). Last evaluated 2026-01-04.

Conditions:
Dyskeratosis congenita, autosomal recessive 5 (DKCB5). Identifiers: MedGen C3554656, MONDO:0014076, OMIM 615190.
Pulmonary fibrosis and/or bone marrow failure, Telomere-related, 3. Also called: PULMONARY FIBROSIS AND/OR BONE MARROW FAILURE SYNDROME, TELOMERE-RELATED, 3. Identifiers: Orphanet 2032, MedGen C4225346, MONDO:0014613, OMIM 616373.
Dyskeratosis congenita. Identifiers: Orphanet 1775, MedGen C0265965, MONDO:0015780.
Inborn genetic diseases. Identifiers: MedGen C0950123, MeSH D030342.

Allele frequency attached by ClinVar (database versions not stated): TOPMed 0.00007; gnomAD 0.00008; gnomAD exomes 0.00011; ExAC 0.00021.
gnomAD v4.1: 107 of 1,612,538 alleles (0.0066%); highest among the groups gnomAD compares: Middle Eastern, 0.017%; 1 homozygote.

Submissions (3):

Labcorp Genetics (formerly Invitae), Labcorp
Classification: Likely benign for Dyskeratosis congenita, autosomal recessive 5; Pulmonary fibrosis and/or bone marrow failure, Telomere-related, 3. Last evaluated: 2026-01-04. Review status: criteria provided, single submitter. Criteria: Invitae Variant Classification Sherloc (09022015). Collection method: clinical testing. Allele origin: germline.

Ambry Genetics
Classification: Uncertain significance for Inborn genetic diseases. Last evaluated: 2024-12-04. Review status: criteria provided, single submitter. Criteria: Ambry Variant Classification Scheme 2023. Collection method: clinical testing. Allele origin: germline.
Comment: The p.A290V variant (also known as c.869C>T), located in coding exon 9 of the RTEL1 gene, results from a C to T substitution at nucleotide position 869. The alanine at codon 290 is replaced by valine, an amino acid with similar properties. This amino acid position is conserved. In addition, this alteration is predicted to be tolerated by in silico analysis. Based on the available evidence, the clinical significance of this variant remains unclear.

Sema4
Classification: Uncertain significance for Dyskeratosis congenita. Last evaluated: 2022-01-26. Review status: criteria provided, single submitter. Criteria: Sema4 Curation Guidelines. Collection method: curation. Allele origin: germline.
Comment: The RTEL1 c.869C>T (p.A290V) variant has not been reported in the literature to our knowledge. This variant was observed in 24/128824 chromosomes, including one homozygote, in the Non-Finnish European subpopulation according to the Genome Aggregation Database (PMID: 32461654). The variant has been reported in ClinVar (Variation ID:1114165). Functional studies have not been performed, and in silico predictions of the variant's effect on protein function are inconclusive. The evidence is insufficient to meet ACMG/AMP criteria for classifying the variant as benign or pathogenic. Thus, the clinical significance of this variant is currently uncertain

NM_001283009.2(RTEL1):c.869C>T (p.Ala290Val)

Genes: RTEL1 (regulator of telomere elongation helicase 1; plus strand), RTEL1-TNFRSF6B (RTEL1-TNFRSF6B readthrough (NMD candidate); plus strand). Cytogenetic location: 20q13.33.
Variant type: single nucleotide variant.
Coding change: c.869C>T on transcript NM_001283009.2 (MANE Select); coding-DNA position 869, C replaced by T.
Protein change: p.Ala290Val; replaces alanine 290 with valine.
Molecular consequence: missense variant. On other transcripts: non-coding transcript variant (1).
Genome position (GRCh38, 1-based): chr20:63,674,043, C>T. VCF-style: chr20-63674043-C-T. GRCh37 (hg19) VCF-style: chr20-62305396-C-T.
Other names: c.200C>T, p.Ala67Val (NM_001283010.1); c.869C>T, p.Ala290Val (NM_016434.4); c.941C>T, p.Ala314Val (NM_032957.5); short protein forms A290V, A314V, A67V.
Identifiers: ClinVar variation 1114165 (VCV001114165.11), dbSNP rs202157063, ClinGen allele CA9964466.
Genomic context (GRCh38, chr20:63,674,043, plus strand): 5'-ATGACCTGGCTTCAGGACTGGACGTCATAGACCAGGTGCTGGAGGAGCAGACCAAGGCAG[C>T]GCAGCAGGGTGAGCCCCACCCGGAGTTCAGCGCGGACTCCCCCAGCCCAGGTGCGTTCAT-3'
Protein context (NP_001269938.1, residues 280-300): DQVLEEQTKA[Ala290Val]QQGEPHPEFS